The following is an entry in ClinVar:

NM_012062.5(DNM1L):c.1596+2T>A

Gene: DNM1L (dynamin 1 like; plus strand). Cytogenetic location: 12p11.21.
Variant type: single nucleotide variant.
Coding change: c.1596+2T>A on transcript NM_012062.5 (MANE Select); the canonical splice donor site of the intron after coding-DNA position 1596, T replaced by A.
Molecular consequence: splice donor variant.
Genome position (GRCh38, 1-based): chr12:32,737,163, T>A. VCF-style: chr12-32737163-T-A. GRCh37 (hg19) VCF-style: chr12-32890097-T-A.
Other names: c.1635+2T>A (NM_001278464.2, NM_001278465.2, NM_001330380.2); c.987+2T>A (NM_001278466.2); c.1596+2T>A (NM_001278463.2, NM_012063.4, NM_005690.5).
Identifiers: ClinVar variation 1503004 (VCV001503004.7), dbSNP rs769684495, ClinGen allele CA6507597.

ClinVar aggregate classification (germline): Likely pathogenic. Review status: criteria provided, multiple submitters, no conflicts (2 of 4 stars). 2 submissions from 2 submitters: Likely pathogenic (2). Last evaluated 2025-11-09.

Conditions:
Optic atrophy 5 (OPA5). Identifiers: Orphanet 98673, MedGen C1853139, MONDO:0012543, OMIM 610708.
Encephalopathy, lethal, due to defective mitochondrial peroxisomal fission 1. Identifiers: Orphanet 330050, MedGen C3280660, MONDO:0013726, OMIM 614388.

Allele frequency attached by ClinVar (database versions not stated): gnomAD 0.00001; ExAC 0.00002; gnomAD exomes 0.00001 and below 0.00001; TOPMed 0.00002.
gnomAD v4.1: 6 of 1,613,372 alleles (0.00037%); highest among the groups gnomAD compares: Admixed American, 0.01%; no homozygotes.

Submissions (2):

Labcorp Genetics (formerly Invitae), Labcorp
Classification: Likely pathogenic. Last evaluated: 2025-11-09. Review status: criteria provided, single submitter. Criteria: Invitae Variant Classification Sherloc (09022015). Collection method: clinical testing. Allele origin: germline.
Comment: This sequence change affects a donor splice site in intron 14 of the DNM1L gene. It is expected to disrupt RNA splicing. Variants that disrupt the donor or acceptor splice site typically lead to a loss of protein function (PMID: 16199547), and loss-of-function variants in DNM1L are known to be pathogenic (PMID: 26825290, 27328748). This variant is present in population databases (rs769684495, gnomAD 0.003%). This variant has not been reported in the literature in individuals affected with DNM1L-related conditions. ClinVar contains an entry for this variant (Variation ID: 1503004). Algorithms developed to predict the effect of sequence changes on RNA splicing suggest that this variant may disrupt the consensus splice site. In summary, the currently available evidence indicates that the variant is pathogenic, but additional data are needed to prove that conclusively. Therefore, this variant has been classified as Likely Pathogenic.

Fulgent Genetics
Classification: Likely pathogenic for Optic atrophy 5; Encephalopathy, lethal, due to defective mitochondrial peroxisomal fission 1. Last evaluated: 2021-08-05. Review status: criteria provided, single submitter. Criteria: ACMG Guidelines, 2015. Collection method: clinical testing. Allele origin: unknown.

Literature cited by the submitters: PubMed 16199547 (cited by Labcorp Genetics (formerly Invitae), Labcorp); PubMed 26825290 (cited by Labcorp Genetics (formerly Invitae), Labcorp); PubMed 27328748 (cited by Labcorp Genetics (formerly Invitae), Labcorp).